The following is an entry in ClinVar:

ClinVar aggregate classification (germline): Likely benign. Review status: criteria provided, single submitter (1 of 4 stars). 2 submissions from 2 submitters: Likely benign (1). 1 of the submissions does not count toward it. Last evaluated 2024-06-17.

Conditions:
ARID1A-related disorder. Also called: ARID1A-related condition.

Allele frequency attached by ClinVar (database versions not stated): gnomAD exomes below 0.00001; TOPMed 0.00001; gnomAD 0.00002.

Submissions (2):

Labcorp Genetics (formerly Invitae), Labcorp
Classification: Likely benign. Last evaluated: 2024-06-17. Review status: criteria provided, single submitter. Criteria: Invitae Variant Classification Sherloc (09022015). Collection method: clinical testing. Allele origin: germline.

PreventionGenetics, part of Exact Sciences
Classification: Likely benign for ARID1A-related condition. Last evaluated: 2019-06-03. Review status: no assertion criteria provided. Collection method: clinical testing. Allele origin: germline. Not counted in ClinVar's aggregate classification.
Comment: This variant is classified as likely benign based on ACMG/AMP sequence variant interpretation guidelines (Richards et al. 2015 PMID: 25741868, with internal and published modifications).

NM_006015.6(ARID1A):c.2419+10_2419+21del

Gene: ARID1A (AT-rich interaction domain 1A; plus strand). Cytogenetic location: 1p36.11.
Variant type: Deletion.
Coding change: c.2419+10_2419+21del on transcript NM_006015.6 (MANE Select); bases 10 to 21 of the intron after coding-DNA position 2419, 12 bases deleted (CTACCCAGTTAG).
Molecular consequence: intron variant.
Genome position (GRCh38, 1-based): chr1:26,762,329-26,762,340, CTACCCAGTTAG deleted. VCF-style (leftmost placement, unchanged base first): chr1-26762328-ACTACCCAGTTAG-A. GRCh37 (hg19) VCF-style: chr1-27088819-ACTACCCAGTTAG-A.
Other names: c.2419+10_2419+21del (NM_139135.4); c.2419+10_2419+21del12 (NM_006015.4).
Identifiers: ClinVar variation 1920580 (VCV001920580.7), dbSNP rs1271125263, ClinGen allele CA521754180.